The following is an entry in ClinVar:

NM_022124.6(CDH23):c.9634-30_9634-8del

Gene: CDH23 (cadherin related 23; plus strand). Cytogenetic location: 10q22.1.
Variant type: Deletion.
Coding change: c.9634-30_9634-8del on transcript NM_022124.6 (MANE Select); 30 bases into the intron before coding-DNA position 9634 through 8 bases into the intron before coding-DNA position 9634, 23 bases deleted (TGGTGGGGGTTAACCCTTTCCCT).
Molecular consequence: intron variant.
Genome position (GRCh38, 1-based): chr10:71,813,214-71,813,236, TGGTGGGGGTTAACCCTTTCCCT deleted; deleting any 23 consecutive bases within chr10:71,813,211-71,813,236 gives the same sequence; the c. name uses the placement nearest the transcript's 3' end. VCF-style (leftmost placement, unchanged base first): chr10-71813210-GCCTTGGTGGGGGTTAACCCTTTC-G. GRCh37 (hg19) VCF-style: chr10-73572967-GCCTTGGTGGGGGTTAACCCTTTC-G.
Other names: c.2914-30_2914-8del (NM_001171933.1); c.2913+324_2913+346del (NM_001171934.1); c.325-30_325-8del (NM_001171935.1); c.324+324_324+346del (NM_001171936.1).
Identifiers: ClinVar variation 3369918 (VCV003369918.1).

ClinVar aggregate classification (germline): Uncertain significance (1 of 4 stars; one submission).

Submission:

GeneDx
Classification: Uncertain significance. Last evaluated: 2024-03-08. Review status: criteria provided, single submitter. Criteria: GeneDx Variant Classification Process June 2021. Collection method: clinical testing. Allele origin: germline. Affected: yes.
Comment: Not observed at significant frequency in large population cohorts (gnomAD); In silico analysis supports a deleterious effect on splicing; Has not been previously published as pathogenic or benign to our knowledge